The following is an entry in ClinVar:

NC_012920.1(MT-TL1):m.3276A>T

Gene: MT-TL1 (mitochondrially encoded tRNA leucine 1 (UUA/G); plus strand).
Variant type: single nucleotide variant.
Genome position: chrM-3276-A-T.
Identifiers: ClinVar variation 4533273 (VCV004533273.1).
Genomic context (GRCh38, chrMT:3,276, plus strand): 5'-CAAGAACAGGGTTTGTTAAGATGGCAGAGCCCGGTAATCGCATAAAACTTAAAACTTTAC[A>T]GTCAGAGGTTCAATTCCTCTTCTTAACAACATACCCATGGCCAACCTCCTACTCCTCATT-3'

ClinVar aggregate classification (germline): Uncertain significance (1 of 4 stars; one submission).

Conditions:
MELAS syndrome (MELAS). Also called: Juvenile myopathy, encephalopathy, lactic acidosis, stroke. Identifiers: Orphanet 550, MedGen C0162671, MONDO:0010789, OMIM 540000.
Leigh syndrome, mitochondrial. Identifiers: MedGen CN377802, MONDO:0970944, OMIM 500017.

Submission:

Diagnostics Services (NGS), CSIR - Centre For Cellular And Molecular Biology
Classification: Uncertain significance for MELAS syndrome; Leigh syndrome, mitochondrial. Last evaluated: 2025-11-27. Review status: criteria provided, single submitter. Criteria: ACMG Guidelines, 2015. Collection method: clinical testing. Allele origin: unknown. Observed: 1 variant allele, 1 heterozygote.
Comment: The m.3276A>T variant is not present in publicly available population databases like gnomAD v3.1, HelixMtdb MITOMAP or our internal database. This variant has neither been published in literature with MT-TL1-related conditions nor reported to the clinical databases like ClinVar or OMIM, in any affected individuals. Predictions from different in-silico pathogenicity prediction programs like MitoTip, HmtVar, Varsome, Franklin etc are contradictory.